The following is an entry in ClinVar:

ClinVar aggregate classification (germline): Likely pathogenic. Review status: criteria provided, multiple submitters, no conflicts (2 of 4 stars). 2 submissions from 2 submitters: Likely pathogenic (2). Last evaluated 2025-10-09.

Conditions:
Familial dysautonomia. Also called: FD; HSAN III. Identifiers: Orphanet 1764, MedGen C0013364, MONDO:0009131, OMIM 223900. Disease mechanism: loss of function.

gnomAD v4.1: 1 of 1,612,168 alleles (0.000062%); highest among the groups gnomAD compares: Non-Finnish European, 0.000085%; no homozygotes.

Submissions (2):

Natera, Inc.
Classification: Likely pathogenic for Familial dysautonomia. Last evaluated: 2025-10-09. Review status: criteria provided, single submitter. Criteria: Natera Variant Classification Schema (03/2026). Collection method: clinical testing. Allele origin: germline.
Comment: The c.304-2A>C variant in ELP1 is a canonical splice acceptor site variant predicted to affect pre-mRNA splicing, which may result in an abnormal transcript and altered protein product. This variant is expected to result in nonsense mediated decay, truncation, or a dysfunctional protein product. This variant is rare in the general population with a frequency below the threshold expected for the associated phenotype(s). Given the available evidence, this variant is classified as Likely Pathogenic.

Labcorp Genetics (formerly Invitae), Labcorp
Classification: Likely pathogenic. Last evaluated: 2022-06-15. Review status: criteria provided, single submitter. Criteria: Invitae Variant Classification Sherloc (09022015). Collection method: clinical testing. Allele origin: germline.
Comment: This variant has not been reported in the literature in individuals affected with ELP1-related conditions. This variant is present in population databases (no rsID available, gnomAD 0.0009%). This sequence change affects an acceptor splice site in intron 3 of the ELP1 gene. It is expected to disrupt RNA splicing. Variants that disrupt the donor or acceptor splice site typically lead to a loss of protein function (PMID: 16199547), and loss-of-function variants in ELP1 are known to be pathogenic (PMID: 18303054, 24173031). Algorithms developed to predict the effect of sequence changes on RNA splicing suggest that this variant may disrupt the consensus splice site. In summary, the currently available evidence indicates that the variant is pathogenic, but additional data are needed to prove that conclusively. Therefore, this variant has been classified as Likely Pathogenic.

Literature cited by the submitters: PubMed 16199547 (cited by Labcorp Genetics (formerly Invitae), Labcorp); PubMed 18303054 (cited by Labcorp Genetics (formerly Invitae), Labcorp); PubMed 24173031 (cited by Labcorp Genetics (formerly Invitae), Labcorp).

NM_003640.5(ELP1):c.304-2A>C

Gene: ELP1 (elongator acetyltransferase complex subunit 1; minus strand). Cytogenetic location: 9q31.3.
Variant type: single nucleotide variant.
Coding change: c.304-2A>C on transcript NM_003640.5 (MANE Select); the canonical splice acceptor site of the intron before coding-DNA position 304, A replaced by C.
Molecular consequence: splice acceptor variant.
Genome position (GRCh38, 1-based): chr9:108,927,455, T>G on the plus strand (A>C on the coding strand, the complement: ELP1 is on the minus strand). VCF-style: chr9-108927455-T-G. GRCh37 (hg19) VCF-style: chr9-111689735-T-G.
Other names: c.304-2A>C (NM_003640.4); c.-39-2A>C (NM_001318360.2); c.-556-2A>C (NM_001330749.2).
Identifiers: ClinVar variation 2170662 (VCV002170662.5), dbSNP rs757972943, ClinGen allele CA374392254.
Genomic context (GRCh38, chr9:108,927,455, plus strand): 5'-TGGTCAGGACTCCAACTCATAACAGAGATACCACTGGCTACACTCCCAACACACTCCAGC[T>G]GAGACAGAGAAAATTGAAAAGAGAGATTCAAACACTAGCATCTCAGTAAAAACTGACTGC-3'